The following is an entry in ClinVar:

NM_004239.4(TRIP11):c.2971T>G (p.Ser991Ala)

Gene: TRIP11 (thyroid hormone receptor interactor 11; minus strand). Cytogenetic location: 14q32.12.
Variant type: single nucleotide variant.
Coding change: c.2971T>G on transcript NM_004239.4 (MANE Select); coding-DNA position 2971, T replaced by G.
Protein change: p.Ser991Ala; replaces serine 991 with alanine.
Molecular consequence: missense variant.
Genome position (GRCh38, 1-based): chr14:92,005,005, A>C on the plus strand (T>G on the coding strand, the complement: TRIP11 is on the minus strand). VCF-style: chr14-92005005-A-C. GRCh37 (hg19) VCF-style: chr14-92471349-A-C.
Other names: c.2968T>G, p.Ser990Ala (NM_001321851.1); short protein forms S990A, S991A.
Identifiers: ClinVar variation 2134529 (VCV002134529.4), dbSNP rs2543030761, ClinGen allele CA390654613.

ClinVar aggregate classification (germline): Uncertain significance (1 of 4 stars; one submission).

Conditions:
Achondrogenesis, type IA (ACG1A). Identifiers: Orphanet 932, Orphanet 93299, MedGen C0265273, MONDO:0008701, OMIM 200600.

Allele frequency attached by ClinVar (database versions not stated): gnomAD exomes below 0.00001.
gnomAD v4.1: 1 of 1,613,856 alleles (0.000062%); highest among the groups gnomAD compares: Non-Finnish European, 0.000085%; no homozygotes.

Submission:

Labcorp Genetics (formerly Invitae), Labcorp
Classification: Uncertain significance for Achondrogenesis, type IA. Last evaluated: 2022-05-06. Review status: criteria provided, single submitter. Criteria: Invitae Variant Classification Sherloc (09022015). Collection method: clinical testing. Allele origin: germline.
Comment: In summary, the available evidence is currently insufficient to determine the role of this variant in disease. Therefore, it has been classified as a Variant of Uncertain Significance. Algorithms developed to predict the effect of missense changes on protein structure and function output the following: SIFT: "Not Available"; PolyPhen-2: "Benign"; Align-GVGD: "Not Available". The alanine amino acid residue is found in multiple mammalian species, which suggests that this missense change does not adversely affect protein function. This variant has not been reported in the literature in individuals affected with TRIP11-related conditions. This variant is not present in population databases (gnomAD no frequency). This sequence change replaces serine, which is neutral and polar, with alanine, which is neutral and non-polar, at codon 991 of the TRIP11 protein (p.Ser991Ala).